The following is an entry in ClinVar:

ClinVar aggregate classification (germline): Uncertain significance. Review status: criteria provided, multiple submitters, no conflicts (2 of 4 stars). 3 submissions from 3 submitters: Uncertain significance (3). Last evaluated 2025-04-21.

Conditions:
Xeroderma pigmentosum variant type. Also called: XERODERMA PIGMENTOSUM WITH NORMAL DNA REPAIR RATES; PHOTOSENSITIVITY WITH DEFECTIVE DNA SYNTHESIS; POLH-Related Xeroderma Pigmentosum. Identifiers: Orphanet 90342, MedGen C1848410, MONDO:0010214, OMIM 278750.

Allele frequency attached by ClinVar (database versions not stated): ExAC 0.00003; gnomAD 0.00003 and 0.00002; gnomAD exomes 0.00003; TOPMed 0.00006.
gnomAD v4.1: 61 of 1,613,820 alleles (0.0038%); highest among the groups gnomAD compares: Non-Finnish European, 0.0042%; no homozygotes.

Submissions (3):

GeneDx
Classification: Uncertain significance. Last evaluated: 2025-04-21. Review status: criteria provided, single submitter. Criteria: GeneDx Variant Classification Process June 2021. Collection method: clinical testing. Allele origin: germline.
Comment: In silico analysis indicates that this missense variant does not alter protein structure/function; Has not been previously published as pathogenic or benign to our knowledge; This variant is associated with the following publications: (PMID: 35949786)

Labcorp Genetics (formerly Invitae), Labcorp
Classification: Uncertain significance. Last evaluated: 2022-10-24. Review status: criteria provided, single submitter. Criteria: Invitae Variant Classification Sherloc (09022015). Collection method: clinical testing. Allele origin: germline.
Comment: This sequence change replaces glutamic acid, which is acidic and polar, with lysine, which is basic and polar, at codon 495 of the POLH protein (p.Glu495Lys). This variant is present in population databases (rs759840056, gnomAD 0.003%). This variant has not been reported in the literature in individuals affected with POLH-related conditions. ClinVar contains an entry for this variant (Variation ID: 356910). Algorithms developed to predict the effect of missense changes on protein structure and function (SIFT, PolyPhen-2, Align-GVGD) all suggest that this variant is likely to be tolerated. In summary, the available evidence is currently insufficient to determine the role of this variant in disease. Therefore, it has been classified as a Variant of Uncertain Significance.

Illumina Laboratory Services, Illumina
Classification: Uncertain significance for Xeroderma pigmentosum variant type. Last evaluated: 2018-01-13. Review status: criteria provided, single submitter. Criteria: ICSL Variant Classification Criteria 13 December 2019. Collection method: clinical testing. Allele origin: germline.

NM_006502.3(POLH):c.1483G>A (p.Glu495Lys)

Gene: POLH (DNA polymerase eta; plus strand). Cytogenetic location: 6p21.1.
Variant type: single nucleotide variant.
Coding change: c.1483G>A on transcript NM_006502.3 (MANE Select); coding-DNA position 1483, G replaced by A.
Protein change: p.Glu495Lys; replaces glutamic acid 495 with lysine.
Molecular consequence: missense variant. On other transcripts: 3 prime UTR variant (1).
Genome position (GRCh38, 1-based): chr6:43,613,898, G>A. VCF-style: chr6-43613898-G-A. GRCh37 (hg19) VCF-style: chr6-43581635-G-A.
Other names: c.1111G>A, p.Glu371Lys (NM_001291969.2); c.*167G>A (NM_001291970.2); short protein forms E495K, E371K.
Identifiers: ClinVar variation 356910 (VCV000356910.11), dbSNP rs759840056, ClinGen allele CA3827255.
Genomic context (GRCh38, chr6:43,613,898, plus strand): 5'-AAAGCAACCACGTCTCTGGAATCATTCTTCCAAAAAGCTGCAGAAAGGCAGAAAGTTAAA[G>A]AAGCTTCGCTTTCATCTCTTACTGCTCCCACTCAGGCTCCCATGAGCAATTCACCATCCA-3'
Protein context (NP_006493.1, residues 485-505): QKAAERQKVK[Glu495Lys]ASLSSLTAPT